The following is an entry in ClinVar:

NM_015335.5(MED13L):c.5943G>C (p.Gln1981His)

Gene: MED13L (mediator complex subunit 13L; minus strand). Cytogenetic location: 12q24.21.
Variant type: single nucleotide variant.
Coding change: c.5943G>C on transcript NM_015335.5 (MANE Select); coding-DNA position 5943, G replaced by C.
Protein change: p.Gln1981His; replaces glutamine 1981 with histidine.
Molecular consequence: missense variant.
Genome position (GRCh38, 1-based): chr12:115,970,718, C>G on the plus strand (G>C on the coding strand, the complement: MED13L is on the minus strand). VCF-style: chr12-115970718-C-G. GRCh37 (hg19) VCF-style: chr12-116408523-C-G.
Other names: short protein forms Q1981H.
Identifiers: ClinVar variation 1715097 (VCV001715097.6), dbSNP rs1245093318, ClinGen allele CA386876474.

ClinVar aggregate classification (germline): Uncertain significance (1 of 4 stars; one submission).

Conditions:
Dextro-looped transposition of the great arteries. Also called: Dextrotransposition of the great arteries. Identifiers: Orphanet 860, MedGen C3531771, MONDO:0019443, OMIM 608808, HP:0031348.

gnomAD v4.1: 1 of 1,614,070 alleles (0.000062%); highest among the groups gnomAD compares: Non-Finnish European, 0.000085%; no homozygotes.

Submission:

Labcorp Genetics (formerly Invitae), Labcorp
Classification: Uncertain significance for Dextro-looped transposition of the great arteries. Last evaluated: 2022-08-06. Review status: criteria provided, single submitter. Criteria: Invitae Variant Classification Sherloc (09022015). Collection method: clinical testing. Allele origin: germline.
Comment: In summary, the available evidence is currently insufficient to determine the role of this variant in disease. Therefore, it has been classified as a Variant of Uncertain Significance. Algorithms developed to predict the effect of missense changes on protein structure and function are either unavailable or do not agree on the potential impact of this missense change (SIFT: "Deleterious"; PolyPhen-2: "Probably Damaging"; Align-GVGD: "Class C0"). This variant has not been reported in the literature in individuals affected with MED13L-related conditions. This variant is present in population databases (no rsID available, gnomAD 0.0009%). This sequence change replaces glutamine, which is neutral and polar, with histidine, which is basic and polar, at codon 1981 of the MED13L protein (p.Gln1981His).